The following is an entry in ClinVar:

NM_000209.4(PDX1):c.363G>T (p.Trp121Cys)

Gene: PDX1 (pancreatic and duodenal homeobox 1; plus strand). Cytogenetic location: 13q12.2.
Variant type: single nucleotide variant.
Coding change: c.363G>T on transcript NM_000209.4 (MANE Select); coding-DNA position 363, G replaced by T.
Protein change: p.Trp121Cys; replaces tryptophan 121 with cysteine.
Molecular consequence: missense variant.
Genome position (GRCh38, 1-based): chr13:27,920,501, G>T. VCF-style: chr13-27920501-G-T. GRCh37 (hg19) VCF-style: chr13-28494638-G-T.
Other names: NG_008183.1:g.5471G>T; NP_000200.1:p.(Trp121Cys); short protein forms W121C.
Identifiers: ClinVar variation 2580179 (VCV002580179.2), dbSNP rs2500200525, ClinGen allele CA387644950.

ClinVar aggregate classification (germline): Uncertain significance (1 of 4 stars; one submission).

Conditions:
Maturity-onset diabetes of the young type 4 (MODY4). Also called: Maturity-onset diabetes of the young, type IV; MODY, type IV. Identifiers: Orphanet 552, MedGen C1833382, MONDO:0011667, OMIM 606392.

Submission:

Department Of Endocrinology, Sanjay Gandhi Postgraduate Institute Of Medical Sciences
Classification: Uncertain significance for Maturity-onset diabetes of the young type 4. Last evaluated: 2023-08-15. Review status: criteria provided, single submitter. Criteria: ACMG Guidelines, 2015. Collection method: clinical testing. Allele origin: unknown. Inheritance: Autosomal dominant inheritance. Affected: yes. Observed: 1 heterozygote.
Comment: A heterozygous missense variation in exon 1 of the PDX1 gene (chr13:g.27920501G>T) that results in the amino acid substitution of Cysteine for Tryptophan at codon 121. The variant was found to be damaging by MutationTaster 2 and SIFT, and probably damaging by PolyPhen 2. The variant has not been reported in the 1000 genomes and gnomAD. The reference codon is conserved across species. PM2 PP3.